The following is an entry in ClinVar:

ClinVar aggregate classification (germline): Uncertain significance (1 of 4 stars; one submission).

Allele frequency attached by ClinVar (database versions not stated): gnomAD exomes below 0.00001; gnomAD 0.00001.
gnomAD v4.1: 7 of 1,614,096 alleles (0.00043%); highest among the groups gnomAD compares: Non-Finnish European, 0.00051%; no homozygotes.

Submission:

Labcorp Genetics (formerly Invitae), Labcorp
Classification: Uncertain significance. Last evaluated: 2022-10-17. Review status: criteria provided, single submitter. Criteria: Invitae Variant Classification Sherloc (09022015). Collection method: clinical testing. Allele origin: germline.
Comment: This sequence change replaces leucine, which is neutral and non-polar, with methionine, which is neutral and non-polar, at codon 161 of the ARL2BP protein (p.Leu161Met). This variant is present in population databases (no rsID available, gnomAD 0.007%). This variant has not been reported in the literature in individuals affected with ARL2BP-related conditions. Algorithms developed to predict the effect of missense changes on protein structure and function are either unavailable or do not agree on the potential impact of this missense change (SIFT: "Deleterious"; PolyPhen-2: "Possibly Damaging"; Align-GVGD: "Class C0"). In summary, the available evidence is currently insufficient to determine the role of this variant in disease. Therefore, it has been classified as a Variant of Uncertain Significance.

NM_012106.4(ARL2BP):c.481C>A (p.Leu161Met)

Gene: ARL2BP (ARF like GTPase 2 binding protein; plus strand). Cytogenetic location: 16q13.
Variant type: single nucleotide variant.
Coding change: c.481C>A on transcript NM_012106.4 (MANE Select); coding-DNA position 481, C replaced by A.
Protein change: p.Leu161Met; replaces leucine 161 with methionine.
Molecular consequence: missense variant.
Genome position (GRCh38, 1-based): chr16:57,252,256, C>A. VCF-style: chr16-57252256-C-A. GRCh37 (hg19) VCF-style: chr16-57286168-C-A.
Other names: short protein forms L161M.
Identifiers: ClinVar variation 1960089 (VCV001960089.5), dbSNP rs1405379439, ClinGen allele CA396023826.
Genomic context (GRCh38, chr16:57,252,256, plus strand): 5'-AGTGGCTTAGTGGTGACTTCATTGTGCAAATCATCTTCTCTGCCAGCTTCCCAGAACAAT[C>A]TGCGGCACTAGGTCCTACCTCCAGCCAATGAATGGGATCATTCTGGATGTCACCAGCCCA-3'
Protein context (NP_036238.1, residues 151-163): SSSLPASQNN[Leu161Met]RH